The following is an entry in ClinVar:

NM_001127208.3(TET2):c.155C>T (p.Thr52Ile)

Genes: TET2 (tet methylcytosine dioxygenase 2; plus strand), TET2-AS1 (TET2 antisense RNA 1; minus strand). Cytogenetic location: 4q24.
Variant type: single nucleotide variant.
Coding change: c.155C>T on transcript NM_001127208.3 (MANE Select); coding-DNA position 155, C replaced by T.
Protein change: p.Thr52Ile; replaces threonine 52 with isoleucine.
Molecular consequence: missense variant.
Genome position (GRCh38, 1-based): chr4:105,234,097, C>T. VCF-style: chr4-105234097-C-T. GRCh37 (hg19) VCF-style: chr4-106155254-C-T.
Other names: c.155C>T, p.Thr52Ile (NM_017628.4); short protein forms T52I.
Identifiers: ClinVar variation 3805901 (VCV003805901.1).

ClinVar aggregate classification (germline): Uncertain significance (1 of 4 stars; one submission).

gnomAD v4.1: 4 of 1,614,002 alleles (0.00025%); highest among the groups gnomAD compares: African/African-American, 0.0013%; no homozygotes.

Submission:

Ambry Genetics
Classification: Uncertain significance. Last evaluated: 2024-12-26. Review status: criteria provided, single submitter. Criteria: Ambry Variant Classification Scheme 2023. Collection method: clinical testing. Allele origin: germline.
Comment: The p.T52I variant (also known as c.155C>T), located in coding exon 1 of the TET2 gene, results from a C to T substitution at nucleotide position 155. The threonine at codon 52 is replaced by isoleucine, an amino acid with similar properties. This amino acid position is conserved. In addition, this alteration is predicted to be tolerated by in silico analysis. Based on the available evidence, the clinical significance of this variant remains unclear.